The following is an entry in ClinVar:

NM_013275.6(ANKRD11):c.7650G>A (p.Val2550=)

Gene: ANKRD11 (ankyrin repeat domain 11; minus strand). Cytogenetic location: 16q24.3.
Variant type: single nucleotide variant.
Coding change: c.7650G>A on transcript NM_013275.6 (MANE Select); coding-DNA position 7650, G replaced by A.
Protein change: p.Val2550=; no amino-acid change (valine 2550 retained).
Molecular consequence: synonymous variant.
Genome position (GRCh38, 1-based): chr16:89,274,877, C>T on the plus strand (G>A on the coding strand, the complement: ANKRD11 is on the minus strand). VCF-style: chr16-89274877-C-T. GRCh37 (hg19) VCF-style: chr16-89341285-C-T.
Other names: c.7650G>A (NM_013275.5); c.7650G>A, p.Val2550= (NM_001256182.2, NM_001256183.2).
Identifiers: ClinVar variation 4932033 (VCV004932033.2).

ClinVar aggregate classification (germline): Likely benign. Review status: criteria provided, multiple submitters, no conflicts (2 of 4 stars). 2 submissions from 2 submitters: Likely benign (2). Last evaluated 2025-10-30.

Conditions:
ANKRD11-related disorder. Also called: ANKRD11-related condition.

gnomAD v4.1: 7 of 1,613,346 alleles (0.00043%); highest among the groups gnomAD compares: African/African-American, 0.0013%; no homozygotes.

Submissions (2):

PreventionGenetics, part of Exact Sciences
Classification: Likely benign for ANKRD11-related condition. Last evaluated: 2025-10-30. Review status: criteria provided, single submitter. Criteria: ACMG Guidelines, 2015. Collection method: clinical testing. Allele origin: germline.
Comment: This variant is classified as likely benign based on ACMG/AMP sequence variant interpretation guidelines (Richards et al. 2015 PMID: 25741868, with internal and published modifications).

Blueprint Genetics
Classification: Likely benign. Last evaluated: 2024-04-24. Review status: criteria provided, single submitter. Criteria: ACMG Guidelines, 2015. Collection method: clinical testing. Allele origin: germline.